The following is an entry in ClinVar:

ClinVar aggregate classification (germline): Uncertain significance. Review status: criteria provided, multiple submitters, no conflicts (2 of 4 stars). 2 submissions from 2 submitters: Uncertain significance (2). Last evaluated 2024-08-19.

Conditions:
Hereditary cancer-predisposing syndrome. Also called: Hereditary Cancer Syndrome; Tumor predisposition; Hereditary neoplastic syndrome; Neoplastic Syndromes, Hereditary. Identifiers: Orphanet 140162, MedGen C0027672, MeSH D009386, MONDO:0015356.
Familial adenomatous polyposis 1 (FAP1). Also called: FAMILIAL ADENOMATOUS POLYPOSIS 1, ATTENUATED; POLYPOSIS, ADENOMATOUS INTESTINAL. Identifiers: MedGen C2713442, MONDO:0021056, OMIM 175100. Disease mechanism: loss of function.

Allele frequency attached by ClinVar (database versions not stated): gnomAD exomes below 0.00001.
gnomAD v4.1: 1 of 1,614,172 alleles (0.000062%); highest among the groups gnomAD compares: Non-Finnish European, 0.000085%; no homozygotes.

Submissions (2):

Ambry Genetics
Classification: Uncertain significance for Hereditary cancer-predisposing syndrome. Last evaluated: 2024-08-19. Review status: criteria provided, single submitter. Criteria: Ambry Variant Classification Scheme 2023. Collection method: clinical testing. Allele origin: germline.
Comment: The p.D1018Y variant (also known as c.3052G>T), located in coding exon 15 of the APC gene, results from a G to T substitution at nucleotide position 3052. The aspartic acid at codon 1018 is replaced by tyrosine, an amino acid with highly dissimilar properties. This amino acid position is conserved. In addition, in silico predictors for this gene do not accurately predict pathogenicity. Based on the available evidence, the clinical significance of this variant remains unclear.

Labcorp Genetics (formerly Invitae), Labcorp
Classification: Uncertain significance for Familial adenomatous polyposis 1. Last evaluated: 2020-02-25. Review status: criteria provided, single submitter. Criteria: Invitae Variant Classification Sherloc (09022015). Collection method: clinical testing. Allele origin: germline.
Comment: In summary, the available evidence is currently insufficient to determine the role of this variant in disease. Therefore, it has been classified as a Variant of Uncertain Significance. Algorithms developed to predict the effect of missense changes on protein structure and function are either unavailable or do not agree on the potential impact of this missense change (SIFT: "Tolerated"; PolyPhen-2: "Possibly Damaging"; Align-GVGD: "Class C0"). This variant has not been reported in the literature in individuals with APC-related conditions. This variant is not present in population databases (ExAC no frequency). This sequence change replaces aspartic acid with tyrosine at codon 1018 of the APC protein (p.Asp1018Tyr). The aspartic acid residue is highly conserved and there is a large physicochemical difference between aspartic acid and tyrosine.

NM_000038.6(APC):c.3052G>T (p.Asp1018Tyr)

Gene: APC (APC regulator of Wnt signaling pathway; plus strand). Cytogenetic location: 5q22.2.
Variant type: single nucleotide variant.
Coding change: c.3052G>T on transcript NM_000038.6 (MANE Select); coding-DNA position 3052, G replaced by T.
Protein change: p.Asp1018Tyr; replaces aspartic acid 1018 with tyrosine.
Molecular consequence: missense variant.
Genome position (GRCh38, 1-based): chr5:112,838,646, G>T. VCF-style: chr5-112838646-G-T. GRCh37 (hg19) VCF-style: chr5-112174343-G-T.
Other names: c.3052G>T (NM_000038.5); c.3052G>T, p.Asp1018Tyr (NM_001127510.3, NM_001354895.2); c.2998G>T, p.Asp1000Tyr (NM_001127511.3); c.3106G>T, p.Asp1036Tyr (NM_001354896.2); c.3082G>T, p.Asp1028Tyr (NM_001354897.2); c.2977G>T, p.Asp993Tyr (NM_001354898.2); c.2968G>T, p.Asp990Tyr (NM_001354899.2); c.2929G>T, p.Asp977Tyr (NM_001354900.2); and 6 more; short protein forms D1000Y, D892Y, D917Y, D993Y, D959Y, D1018Y, D1028Y, D977Y.
Identifiers: ClinVar variation 1042543 (VCV001042543.49), dbSNP rs587778038, ClinGen allele CA16028017.